The following is an entry in ClinVar:

ClinVar aggregate classification (germline): Uncertain significance. Review status: criteria provided, multiple submitters, no conflicts (2 of 4 stars). 6 submissions from 6 submitters: Uncertain significance (6). Last evaluated 2026-04-29.

Conditions:
TTN-related disorder. Also called: TTN-related condition; TTN-related disease; TTN-related disorders.
Cardiovascular phenotype. Identifiers: MedGen CN230736.
Tibial muscular dystrophy (TMD). Also called: Udd Distal Myopathy – Tibial Muscular Dystrophy; UDD MYOPATHY; Tibial muscular dystrophy, tardive. Identifiers: Orphanet 609, MedGen C1838244, MONDO:0010870, OMIM 600334.
Myopathy, myofibrillar, 9, with early respiratory failure (MFM9). Also called: Hereditary myopathy with early respiratory failure; EDSTROM MYOPATHY; MYOPATHY, PROXIMAL, WITH EARLY RESPIRATORY MUSCLE INVOLVEMENT; Myopathy, distal, with early respiratory failure, autosomal dominant. Identifiers: Orphanet 178464, Orphanet 34521, MedGen C1863599, MONDO:0011362, OMIM 603689.
Dilated cardiomyopathy 1G (CMD1G). Identifiers: Orphanet 154, MedGen C1858763, MONDO:0011400, OMIM 604145.
Hypertrophic cardiomyopathy 9. Also called: Familial hypertrophic cardiomyopathy 9. Identifiers: MedGen C1861065, MONDO:0013412, OMIM 613765.
Autosomal recessive limb-girdle muscular dystrophy type 2J (LGMDR10). Also called: Limb-girdle muscular dystrophy, type 2J; MUSCULAR DYSTROPHY, LIMB-GIRDLE, AUTOSOMAL RECESSIVE 10. Identifiers: Orphanet 140922, MedGen C1837342, MONDO:0012127, OMIM 608807.
Early-onset myopathy with fatal cardiomyopathy (CMYO5). Also called: CONGENITAL MYOPATHY 5 WITH CARDIOMYOPATHY; Salih Myopathy. Identifiers: Orphanet 289377, MedGen C2673677, MONDO:0012714, OMIM 611705. Disease mechanism: loss of function.

Allele frequency attached by ClinVar (database versions not stated): gnomAD exomes 0.00001; gnomAD 0.00006; TOPMed 0.00015; 1000 Genomes Project 30x 0.00016.

Submissions (6):

PreventionGenetics, part of Exact Sciences
Classification: Uncertain significance for TTN-related condition. Last evaluated: 2026-04-29. Review status: criteria provided, single submitter. Criteria: ACMG Guidelines, 2015. Collection method: clinical testing. Allele origin: germline.
Comment: The TTN c.80290G>A variant is predicted to result in the amino acid substitution p.Gly26764Arg. To our knowledge, this variant has not been reported in the literature. This variant is reported in 0.0029% of alleles in individuals of Latino descent in gnomAD. At this time, the clinical significance of this variant is uncertain due to the absence of conclusive functional and genetic evidence.

GeneDx
Classification: Uncertain significance. Last evaluated: 2024-02-15. Review status: criteria provided, single submitter. Criteria: GeneDx Variant Classification Process June 2021. Collection method: clinical testing. Allele origin: germline. Affected: yes.
Comment: Not observed at significant frequency in large population cohorts (gnomAD); Missense variant in a gene in which most reported pathogenic variants are truncating/loss of function; Has not been previously published as pathogenic or benign to our knowledge

Fulgent Genetics
Classification: Uncertain significance for Tibial muscular dystrophy; Myopathy, myofibrillar, 9, with early respiratory failure; Dilated cardiomyopathy 1G; Autosomal recessive limb-girdle muscular dystrophy type 2J; Early-onset myopathy with fatal cardiomyopathy; Hypertrophic cardiomyopathy 9. Last evaluated: 2021-09-06. Review status: criteria provided, single submitter. Criteria: ACMG Guidelines, 2015. Collection method: clinical testing. Allele origin: unknown.

Revvity Omics, Revvity
Classification: Uncertain significance. Last evaluated: 2019-06-24. Review status: criteria provided, single submitter. Criteria: ACMG Guidelines, 2015. Collection method: clinical testing. Allele origin: germline.

Ambry Genetics
Classification: Uncertain significance for Cardiovascular phenotype. Last evaluated: 2019-03-01. Review status: criteria provided, single submitter. Criteria: Ambry Variant Classification Scheme 2023. Collection method: clinical testing. Allele origin: germline.
Comment: The p.G17699R variant (also known as c.53095G>A), located in coding exon 153 of the TTN gene, results from a G to A substitution at nucleotide position 53095. The glycine at codon 17699 is replaced by arginine, an amino acid with dissimilar properties. This amino acid position is highly conserved in available vertebrate species. In addition, the in silico prediction for this alteration is inconclusive. Since supporting evidence is limited at this time, the clinical significance of this alteration remains unclear.

Laboratory for Molecular Medicine, Mass General Brigham Personalized Medicine
Classification: Uncertain significance. Last evaluated: 2014-08-13. Review status: criteria provided, single submitter. Criteria: LMM Criteria. Collection method: clinical testing. Allele origin: germline. Observed: 1 variant allele.
Comment: The Gly24196Arg variant in TTN has not been previously reported in individuals w ith cardiomyopathy or in large population studies. Computational prediction tool s and conservation analysis do not provide strong support for or against an impa ct to the protein. In summary, the clinical significance of the Gly24196Arg vari ant is uncertain.

NM_001267550.2(TTN):c.80290G>A (p.Gly26764Arg)

Genes: TTN (titin; minus strand), TTN-AS1 (TTN antisense RNA 1; plus strand). Cytogenetic location: 2q31.2.
Variant type: single nucleotide variant.
Coding change: c.80290G>A on transcript NM_001267550.2 (MANE Select); coding-DNA position 80290, G replaced by A.
Protein change: p.Gly26764Arg; replaces glycine 26764 with arginine.
Molecular consequence: missense variant.
Genome position (GRCh38, 1-based): chr2:178,565,842, C>T on the plus strand (G>A on the coding strand, the complement: TTN is on the minus strand). VCF-style: chr2-178565842-C-T. GRCh37 (hg19) VCF-style: chr2-179430569-C-T.
Other names: c.75367G>A, p.Gly25123Arg (NM_001256850.1); c.53095G>A, p.Gly17699Arg (NM_003319.4); c.53470G>A, p.Gly17824Arg (NM_133432.3); c.53671G>A, p.Gly17891Arg (NM_133437.4); c.72586G>A, p.Gly24196Arg (NM_133378.4); c.80290G>A (NM_001267550.1); short protein forms G24196R, G26764R, G17824R, G17699R, G17891R, G25123R.
Identifiers: ClinVar variation 179909 (VCV000179909.14), dbSNP rs727505213, ClinGen allele CA185404.